The following is an entry in ClinVar:

NM_170601.5(SIAE):c.781A>G (p.Met261Val)

Gene: SIAE (sialic acid acetylesterase; minus strand). Cytogenetic location: 11q24.2.
Variant type: single nucleotide variant.
Coding change: c.781A>G on transcript NM_170601.5 (MANE Select); coding-DNA position 781, A replaced by G.
Protein change: p.Met261Val; replaces methionine 261 with valine.
Molecular consequence: missense variant.
Genome position (GRCh38, 1-based): chr11:124,648,117, T>C on the plus strand (A>G on the coding strand, the complement: SIAE is on the minus strand). VCF-style: chr11-124648117-T-C. GRCh37 (hg19) VCF-style: chr11-124518013-T-C.
Other names: c.676A>G, p.Met226Val (NM_001199922.2); short protein forms M226V, M261V.
Identifiers: ClinVar variation 3022166 (VCV003022166.3), dbSNP rs2496902392, ClinGen allele CA383149337.

ClinVar aggregate classification (germline): Uncertain significance (1 of 4 stars; one submission).

Allele frequency attached by ClinVar (database versions not stated): gnomAD exomes 0.00001.
gnomAD v4.1: 10 of 1,614,148 alleles (0.00062%); highest among the groups gnomAD compares: East Asian, 0.0022%; no homozygotes.

Submission:

Labcorp Genetics (formerly Invitae), Labcorp
Classification: Uncertain significance. Last evaluated: 2026-01-19. Review status: criteria provided, single submitter. Criteria: Invitae Variant Classification Sherloc (09022015). Collection method: clinical testing. Allele origin: germline.
Comment: This sequence change replaces methionine, which is neutral and non-polar, with valine, which is neutral and non-polar, at codon 261 of the SIAE protein (p.Met261Val). This variant is not present in population databases (gnomAD no frequency). This variant has not been reported in the literature in individuals affected with SIAE-related conditions. ClinVar contains an entry for this variant (Variation ID: 3022166). An algorithm developed to predict the effect of missense changes on protein structure and function (PolyPhen-2) suggests that this variant is likely to be disruptive. In summary, the available evidence is currently insufficient to determine the role of this variant in disease. Therefore, it has been classified as a Variant of Uncertain Significance.